The following is an entry in ClinVar:

NM_017780.4(CHD7):c.1171G>T (p.Ala391Ser)

Gene: CHD7 (chromodomain helicase DNA binding protein 7; plus strand). Cytogenetic location: 8q12.2.
Variant type: single nucleotide variant.
Coding change: c.1171G>T on transcript NM_017780.4 (MANE Select); coding-DNA position 1171, G replaced by T.
Protein change: p.Ala391Ser; replaces alanine 391 with serine.
Molecular consequence: missense variant.
Genome position (GRCh38, 1-based): chr8:60,742,603, G>T. VCF-style: chr8-60742603-G-T. GRCh37 (hg19) VCF-style: chr8-61655162-G-T.
Other names: c.1171G>T, p.Ala391Ser (NM_001316690.1); c.1171G>T (NM_017780.3); short protein forms A391S.
Identifiers: ClinVar variation 3666480 (VCV003666480.3).
Genomic context (GRCh38, chr8:60,742,603, plus strand): 5'-GGCTCACTTAACCAAATGAACACACAAACTATGCATCCTTCACAGCCTCAGGGAACTTAT[G>T]CCTCTCCACCTCCCATGTCACCCATGAAAGCAATGAGTAATCCAGCAGGCACTCCTCCTC-3'
Protein context (NP_060250.2, residues 381-401): MHPSQPQGTY[Ala391Ser]SPPPMSPMKA

ClinVar aggregate classification (germline): Uncertain significance. Review status: criteria provided, multiple submitters, no conflicts (2 of 4 stars). 2 submissions from 2 submitters: Uncertain significance (2). Last evaluated 2026-05-14.

Conditions:
CHARGE syndrome (CHARGE). Also called: Hittner Hirsch Kreh syndrome; CHARGE ASSOCIATION--COLOBOMA, HEART ANOMALY, CHOANAL ATRESIA, RETARDATION, GENITAL AND EAR ANOMALIES; Coloboma, heart anomaly, choanal atresia, retardation, genital and ear anomalies; CHARGE association; Hall-Hittner syndrome. Identifiers: Orphanet 138, MedGen C0265354, MONDO:0008965.
Inborn genetic diseases. Identifiers: MedGen C0950123, MeSH D030342.

gnomAD v4.1: 1 of 1,613,576 alleles (0.000062%); highest among the groups gnomAD compares: African/African-American, 0.0013%; no homozygotes.

Submissions (2):

Ambry Genetics
Classification: Uncertain significance for Inborn genetic diseases. Last evaluated: 2026-05-14. Review status: criteria provided, single submitter. Criteria: Ambry Variant Classification Scheme 2023. Collection method: clinical testing. Allele origin: germline.

Labcorp Genetics (formerly Invitae), Labcorp
Classification: Uncertain significance for CHARGE syndrome. Last evaluated: 2025-01-30. Review status: criteria provided, single submitter. Criteria: Invitae Variant Classification Sherloc (09022015). Collection method: clinical testing. Allele origin: germline.
Comment: This sequence change replaces alanine, which is neutral and non-polar, with serine, which is neutral and polar, at codon 391 of the CHD7 protein (p.Ala391Ser). This variant is not present in population databases (gnomAD no frequency). This variant has not been reported in the literature in individuals affected with CHD7-related conditions. Invitae Evidence Modeling of protein sequence and biophysical properties (such as structural, functional, and spatial information, amino acid conservation, physicochemical variation, residue mobility, and thermodynamic stability) indicates that this missense variant is not expected to disrupt CHD7 protein function with a negative predictive value of 95%. In summary, the available evidence is currently insufficient to determine the role of this variant in disease. Therefore, it has been classified as a Variant of Uncertain Significance.